The following is an entry in ClinVar:

NM_000429.3(MAT1A):c.852G>A (p.Gly284=)

Gene: MAT1A (methionine adenosyltransferase 1A; minus strand). Cytogenetic location: 10q22.3.
Variant type: single nucleotide variant.
Coding change: c.852G>A on transcript NM_000429.3 (MANE Select); coding-DNA position 852, G replaced by A.
Protein change: p.Gly284=; no amino-acid change (glycine 284 retained).
Molecular consequence: synonymous variant.
Genome position (GRCh38, 1-based): chr10:80,275,116, C>T on the plus strand (G>A on the coding strand, the complement: MAT1A is on the minus strand). VCF-style: chr10-80275116-C-T. GRCh37 (hg19) VCF-style: chr10-82034872-C-T.
Identifiers: ClinVar variation 2728280 (VCV002728280.4), dbSNP rs920251779, ClinGen allele CA210322482.

ClinVar aggregate classification (germline): Likely benign. Review status: criteria provided, multiple submitters, no conflicts (2 of 4 stars). 2 submissions from 2 submitters: Likely benign (2). Last evaluated 2025-09-08.

Conditions:
Hepatic methionine adenosyltransferase deficiency. Also called: MAT I/III DEFICIENCY; Deficiency of methionine adenosyltransferase; Isolated Persistent Hypermethioninemia; Methionine adenosyltransferase deficiency. Identifiers: Orphanet 168598, MedGen C0268621, MeSH C564683, MONDO:0009607, OMIM 250850.

Allele frequency attached by ClinVar (database versions not stated): gnomAD exomes 0.00001; TOPMed 0.00017.
gnomAD v4.1: 17 of 1,611,376 alleles (0.0011%); highest among the groups gnomAD compares: Non-Finnish European, 0.0014%; no homozygotes.

Submissions (2):

Labcorp Genetics (formerly Invitae), Labcorp
Classification: Likely benign for Hepatic methionine adenosyltransferase deficiency. Last evaluated: 2025-09-08. Review status: criteria provided, single submitter. Criteria: Invitae Variant Classification Sherloc (09022015). Collection method: clinical testing. Allele origin: germline.

Women's Health and Genetics/Laboratory Corporation of America, LabCorp
Classification: Likely benign. Last evaluated: 2024-05-15. Review status: criteria provided, single submitter. Criteria: LabCorp Variant Classification Summary - May 2015. Collection method: clinical testing. Allele origin: germline.
Comment: Variant summary: MAT1A c.852G>A alters a conserved nucleotide resulting in a synonymous change. Consensus agreement among computation tools predict no significant impact on normal splicing. However, these predictions have yet to be confirmed by functional studies. The variant allele was found at a frequency of 4.1e-06 in 244772 control chromosomes (gnomAD). The available data on variant occurrences in the general population are insufficient to allow any conclusion about variant significance. To our knowledge, no occurrence of c.852G>A in individuals affected with Hepatic methionine adenosyltransferase deficiency and no experimental evidence demonstrating its impact on protein function have been reported. ClinVar contains an entry for this variant (Variation ID: 2728280). Based on the evidence outlined above, the variant was classified as likely benign.